The following is an entry in ClinVar:

ClinVar aggregate classification (germline): Uncertain significance (1 of 4 stars; one submission).

Allele frequency attached by ClinVar (database versions not stated): gnomAD exomes below 0.00001.
gnomAD v4.1: 2 of 1,602,700 alleles (0.00012%); highest among the groups gnomAD compares: Middle Eastern, 0.017%; no homozygotes.

Submission:

Labcorp Genetics (formerly Invitae), Labcorp
Classification: Uncertain significance. Last evaluated: 2023-10-05. Review status: criteria provided, single submitter. Criteria: Invitae Variant Classification Sherloc (09022015). Collection method: clinical testing. Allele origin: germline.
Comment: This sequence change falls in intron 10 of the ARHGEF10 gene. It does not directly change the encoded amino acid sequence of the ARHGEF10 protein. This variant is not present in population databases (gnomAD no frequency). This variant has not been reported in the literature in individuals affected with ARHGEF10-related conditions. Algorithms developed to predict the effect of sequence changes on RNA splicing suggest that this variant may disrupt the consensus splice site. In summary, the available evidence is currently insufficient to determine the role of this variant in disease. Therefore, it has been classified as a Variant of Uncertain Significance.

NM_014629.4(ARHGEF10):c.1076-4T>A

Gene: ARHGEF10 (Rho guanine nucleotide exchange factor 10; plus strand). Cytogenetic location: 8p23.3.
Variant type: single nucleotide variant.
Coding change: c.1076-4T>A on transcript NM_014629.4 (MANE Select); 4 bases into the intron before coding-DNA position 1076, T replaced by A.
Molecular consequence: intron variant.
Genome position (GRCh38, 1-based): chr8:1,885,597, T>A. VCF-style: chr8-1885597-T-A. GRCh37 (hg19) VCF-style: chr8-1833763-T-A.
Other names: c.962-4T>A (NM_001438092.1, NM_001308152.2, NM_001438094.1); c.1079-4T>A (NM_001438091.1, NM_001308153.3); c.959-4T>A (NM_001438093.1).
Identifiers: ClinVar variation 2727494 (VCV002727494.3), dbSNP rs2537251234, ClinGen allele CA2685949601.